The following is an entry in ClinVar:

ClinVar aggregate classification (germline): Uncertain significance (1 of 4 stars; one submission).

Conditions:
Hereditary cancer-predisposing syndrome. Also called: Hereditary neoplastic syndrome; Neoplastic Syndromes, Hereditary; Tumor predisposition; Hereditary Cancer Syndrome. Identifiers: Orphanet 140162, MedGen C0027672, MeSH D009386, MONDO:0015356.

Submission:

Ambry Genetics
Classification: Uncertain significance for Hereditary cancer-predisposing syndrome. Last evaluated: 2025-08-27. Review status: criteria provided, single submitter. Criteria: Ambry Variant Classification Scheme 2023. Collection method: clinical testing. Allele origin: germline.
Comment: The p.P272R variant (also known as c.815C>G), located in coding exon 10 of the MUTYH gene, results from a C to G substitution at nucleotide position 815. The proline at codon 272 is replaced by arginine, an amino acid with dissimilar properties. This amino acid position is conserved. In addition, the in silico prediction for this alteration is inconclusive. Based on the available evidence, the clinical significance of this variant remains unclear.

NM_001048174.2(MUTYH):c.731C>G (p.Pro244Arg)

Gene: MUTYH (mutY DNA glycosylase; minus strand). Cytogenetic location: 1p34.1.
Variant type: single nucleotide variant.
Coding change: c.731C>G on transcript NM_001048174.2 (MANE Select); coding-DNA position 731, C replaced by G.
Protein change: p.Pro244Arg; replaces proline 244 with arginine.
Molecular consequence: missense variant. On other transcripts: non-coding transcript variant (7).
Genome position (GRCh38, 1-based): chr1:45,332,284, G>C on the plus strand (C>G on the coding strand, the complement: MUTYH is on the minus strand). VCF-style: chr1-45332284-G-C. GRCh37 (hg19) VCF-style: chr1-45797956-G-C.
Other names: c.815C>G, p.Pro272Arg (NM_001128425.2); c.731C>G, p.Pro244Arg (NM_001048173.2, NM_001407088.1, NM_001293195.2 and 6 more transcripts); c.752C>G, p.Pro251Arg (NM_001407087.1); c.776C>G, p.Pro259Arg (NM_001293190.2); c.764C>G, p.Pro255Arg (NM_001293191.2, NM_001407069.1, NM_001407077.1); c.455C>G, p.Pro152Arg (NM_001293192.2, NM_001293196.2, NM_001407091.1); c.692C>G, p.Pro231Arg (NM_001407079.1); c.689C>G, p.Pro230Arg (NM_001407080.1); and 5 more; short protein forms P129R, P244R, P245R, P258R, P272R, P152R, P216R, P231R.
Identifiers: ClinVar variation 4113853 (VCV004113853.1).